The following is an entry in ClinVar:

ClinVar aggregate classification (germline): Uncertain significance (1 of 4 stars; one submission).

Conditions:
Joubert syndrome 21 (JBTS21). Identifiers: MedGen C3810212, MONDO:0014288, OMIM 615636.

Allele frequency attached by ClinVar (database versions not stated): TOPMed 0.00002; ExAC 0.00003; gnomAD 0.00003 and 0.00004; gnomAD exomes 0.00003 and 0.00004.
gnomAD v4.1: 53 of 1,593,446 alleles (0.0033%); highest among the groups gnomAD compares: African/African-American, 0.0067%; no homozygotes.

Submission:

Labcorp Genetics (formerly Invitae), Labcorp
Classification: Uncertain significance for Joubert syndrome 21. Last evaluated: 2025-01-06. Review status: criteria provided, single submitter. Criteria: Invitae Variant Classification Sherloc (09022015). Collection method: clinical testing. Allele origin: germline.
Comment: This sequence change replaces serine, which is neutral and polar, with leucine, which is neutral and non-polar, at codon 310 of the CSPP1 protein (p.Ser310Leu). This variant is present in population databases (rs761172555, gnomAD 0.01%). This variant has not been reported in the literature in individuals affected with CSPP1-related conditions. ClinVar contains an entry for this variant (Variation ID: 1051396). An algorithm developed to predict the effect of missense changes on protein structure and function outputs the following: PolyPhen-2: "Benign". The leucine amino acid residue is found in multiple mammalian species, which suggests that this missense change does not adversely affect protein function. In summary, the available evidence is currently insufficient to determine the role of this variant in disease. Therefore, it has been classified as a Variant of Uncertain Significance.

NM_001382391.1(CSPP1):c.902C>T (p.Ser301Leu)

Gene: CSPP1 (centrosome and spindle pole associated protein 1; plus strand). Cytogenetic location: 8q13.1.
Variant type: single nucleotide variant.
Coding change: c.902C>T on transcript NM_001382391.1 (MANE Select); coding-DNA position 902, C replaced by T.
Protein change: p.Ser301Leu; replaces serine 301 with leucine.
Molecular consequence: missense variant.
Genome position (GRCh38, 1-based): chr8:67,095,711, C>T. VCF-style: chr8-67095711-C-T. GRCh37 (hg19) VCF-style: chr8-68007946-C-T.
Other names: c.47C>T, p.Ser16Leu (NM_001291339.2); c.821C>T, p.Ser274Leu (NM_001363131.2, NM_001363133.2); c.902C>T, p.Ser301Leu (NM_001363132.2); c.1010C>T, p.Ser337Leu (NM_001364869.1); c.929C>T, p.Ser310Leu (NM_001364870.1, NM_024790.7); short protein forms S16L, S274L, S301L, S310L, S337L.
Identifiers: ClinVar variation 1051396 (VCV001051396.7), dbSNP rs761172555, ClinGen allele CA4770378.